The following is an entry in ClinVar:

NM_020686.6(ABAT):c.169-5T>C

Gene: ABAT (4-aminobutyrate aminotransferase; plus strand). Cytogenetic location: 16p13.2.
Variant type: single nucleotide variant.
Coding change: c.169-5T>C on transcript NM_020686.6 (MANE Select); 5 bases into the intron before coding-DNA position 169, T replaced by C.
Molecular consequence: intron variant.
Genome position (GRCh38, 1-based): chr16:8,748,103, T>C. VCF-style: chr16-8748103-T-C. GRCh37 (hg19) VCF-style: chr16-8841960-T-C.
Other names: c.169-5T>C (NM_001386602.1, NM_001386615.1, NM_001386609.1 and 11 more transcripts); c.71-5T>C (NM_001386610.1); c.71-9654T>C (NM_001386614.1); c.34-5T>C (NM_001386611.1, NM_001386612.1, NM_001386613.1).
Identifiers: ClinVar variation 320843 (VCV000320843.19), dbSNP rs1641010, ClinGen allele CA7893003.

ClinVar aggregate classification (germline): Benign. Review status: criteria provided, multiple submitters, no conflicts (2 of 4 stars). 5 submissions from 5 submitters: Benign (4). 1 of the submissions does not count toward it. Last evaluated 2026-02-04.

Conditions:
Gamma-aminobutyric acid transaminase deficiency (GABATD). Also called: GABA aminotransaminase deficiency; GABA transaminase deficiency; Gamma aminobutyrate transaminase deficiency; 4 alpha aminobutyrate transaminase deficiency. Identifiers: Orphanet 2066, MedGen C0342708, MONDO:0013166, OMIM 613163.

Allele frequency attached by ClinVar (database versions not stated): 1000 Genomes Project 30x 0.46268; 1000 Genomes Project 0.46945; ESP Exome Variant Server 0.47576; TOPMed 0.48748; gnomAD 0.49394 and 0.49992; ExAC 0.57041; gnomAD exomes 0.58049.
gnomAD v4.1: 957,361 of 1,611,106 alleles (59%); highest among the groups gnomAD compares: Admixed American, 65%; 291,683 homozygotes.

Submissions (5):

Labcorp Genetics (formerly Invitae), Labcorp
Classification: Benign for Gamma-aminobutyric acid transaminase deficiency. Last evaluated: 2026-02-04. Review status: criteria provided, single submitter. Criteria: Invitae Variant Classification Sherloc (09022015). Collection method: clinical testing. Allele origin: germline.

Illumina Laboratory Services, Illumina
Classification: Benign for Gamma-aminobutyric acid transaminase deficiency. Last evaluated: 2018-01-13. Review status: criteria provided, single submitter. Criteria: ICSL Variant Classification Criteria 13 December 2019. Collection method: clinical testing. Allele origin: germline.
Comment: This variant was observed in the ICSL laboratory as part of a predisposition screen in an ostensibly healthy population. It had not been previously curated by ICSL or reported in the Human Gene Mutation Database (HGMD: prior to June 1st, 2018), and was therefore a candidate for classification through an automated scoring system. Utilizing variant allele frequency, disease prevalence and penetrance estimates, and inheritance mode, an automated score was calculated to assess if this variant is too frequent to cause the disease. Based on the score and internal cut-off values, a variant classified as benign is not then subjected to further curation. The score for this variant resulted in a classification of benign for this disease.

Athena Diagnostics
Classification: Benign. Last evaluated: 2017-04-20. Review status: criteria provided, single submitter. Criteria: Athena Diagnostics Criteria. Collection method: clinical testing. Allele origin: germline.

Breakthrough Genomics
Classification: Benign. Review status: criteria provided, single submitter. Criteria: ACMG Guidelines, 2015. Collection method: not provided. Allele origin: germline. Inheritance: Autosomal recessive inheritance. Affected: yes.

Mayo Clinic Laboratories, Mayo Clinic
Classification: Benign. Last evaluated: 2016-02-19. Review status: no assertion criteria provided. Collection method: clinical testing. Allele origin: unknown. Not counted in ClinVar's aggregate classification.